The following is an entry in ClinVar:

ClinVar aggregate classification (germline): Conflicting classifications of pathogenicity. Review status: criteria provided, conflicting classifications (1 of 4 stars). 2 submissions from 2 submitters: Pathogenic (1); Uncertain significance (1). Last evaluated 2025-07-30.

Conditions:
Retinitis pigmentosa 1 (RP1). Identifiers: Orphanet 791, MedGen C0220701, MONDO:0008377, OMIM 180100.

Allele frequency attached by ClinVar (database versions not stated): gnomAD exomes 0.00001; TOPMed 0.00002.
gnomAD v4.1: 8 of 1,518,960 alleles (0.00053%); highest among the groups gnomAD compares: Admixed American, 0.0021%; no homozygotes.

Submissions (2):

Dasa
Classification: Uncertain significance. Last evaluated: 2025-07-30. Review status: criteria provided, single submitter. Criteria: DASA Assertion Criteria. Collection method: clinical testing. Allele origin: germline.
Comment: NM_001375654.1(RP1):c.2212-1G>A affects a canonical splice site and is predicted to disrupt normal RNA splicing. This variant is rare in population databases. The currently available literature and clinical evidence are not sufficient to establish a definitive association between this variant and the reported condition. Therefore, this variant is classified as a variant of uncertain significance.

Mendelics
Classification: Pathogenic for Retinitis pigmentosa 1. Last evaluated: 2022-05-04. Review status: criteria provided, single submitter. Criteria: Mendelics Assertion Criteria 2019. Collection method: clinical testing. Allele origin: germline.

NM_001375654.1(RP1):c.2212-1G>A

Gene: RP1 (RP1 axonemal microtubule associated; plus strand). Cytogenetic location: 8q12.1.
Variant type: single nucleotide variant.
Coding change: c.2212-1G>A on transcript NM_001375654.1; the canonical splice acceptor site of the intron before coding-DNA position 2212, G replaced by A.
Molecular consequence: splice acceptor variant.
Genome position (GRCh38, 1-based): chr8:54,720,128, G>A. VCF-style: chr8-54720128-G-A. GRCh37 (hg19) VCF-style: chr8-55632688-G-A.
Identifiers: ClinVar variation 1686129 (VCV001686129.4), dbSNP rs997666144, ClinGen allele CA177543280.